The following is an entry in ClinVar:

NM_144997.7(FLCN):c.268G>A (p.Ala90Thr)

Gene: FLCN (folliculin; minus strand). Cytogenetic location: 17p11.2.
Variant type: single nucleotide variant.
Coding change: c.268G>A on transcript NM_144997.7 (MANE Select); coding-DNA position 268, G replaced by A.
Protein change: p.Ala90Thr; replaces alanine 90 with threonine.
Molecular consequence: missense variant.
Genome position (GRCh38, 1-based): chr17:17,226,304, C>T on the plus strand (G>A on the coding strand, the complement: FLCN is on the minus strand). VCF-style: chr17-17226304-C-T. GRCh37 (hg19) VCF-style: chr17-17129618-C-T.
Other names: c.268G>A, p.Ala90Thr (NM_001353229.2, NM_001353230.2, NM_001353231.2 and 1 more transcripts); short protein forms A90T.
Identifiers: ClinVar variation 821675 (VCV000821675.12), dbSNP rs141140415, ClinGen allele CA398534963.

ClinVar aggregate classification (germline): Uncertain significance. Review status: criteria provided, multiple submitters, no conflicts (2 of 4 stars). 2 submissions from 2 submitters: Uncertain significance (2). Last evaluated 2025-02-12.

Conditions:
Birt-Hogg-Dube syndrome. Also called: Birt Hogg Dubé syndrome. Identifiers: Orphanet 122, MedGen C0346010, MONDO:0800444.
Hereditary cancer-predisposing syndrome. Also called: Hereditary Cancer Syndrome; Neoplastic Syndromes, Hereditary; Hereditary neoplastic syndrome; Tumor predisposition. Identifiers: Orphanet 140162, MedGen C0027672, MeSH D009386, MONDO:0015356.

Submissions (2):

Ambry Genetics
Classification: Uncertain significance for Hereditary cancer-predisposing syndrome. Last evaluated: 2025-02-12. Review status: criteria provided, single submitter. Criteria: Ambry Variant Classification Scheme 2023. Collection method: clinical testing. Allele origin: germline.
Comment: The p.A90T variant (also known as c.268G>A), located in coding exon 2 of the FLCN gene, results from a G to A substitution at nucleotide position 268. The alanine at codon 90 is replaced by threonine, an amino acid with similar properties. This amino acid position is not well conserved in available vertebrate species. In addition, the in silico prediction for this alteration is inconclusive. Since supporting evidence is limited at this time, the clinical significance of this alteration remains unclear.

Labcorp Genetics (formerly Invitae), Labcorp
Classification: Uncertain significance for Birt-Hogg-Dube syndrome. Last evaluated: 2024-06-09. Review status: criteria provided, single submitter. Criteria: Invitae Variant Classification Sherloc (09022015). Collection method: clinical testing. Allele origin: germline.
Comment: This sequence change replaces alanine, which is neutral and non-polar, with threonine, which is neutral and polar, at codon 90 of the FLCN protein (p.Ala90Thr). This variant is not present in population databases (gnomAD no frequency). This variant has not been reported in the literature in individuals affected with FLCN-related conditions. ClinVar contains an entry for this variant (Variation ID: 821675). Advanced modeling of protein sequence and biophysical properties (such as structural, functional, and spatial information, amino acid conservation, physicochemical variation, residue mobility, and thermodynamic stability) performed at Invitae indicates that this missense variant is not expected to disrupt FLCN protein function with a negative predictive value of 80%. In summary, the available evidence is currently insufficient to determine the role of this variant in disease. Therefore, it has been classified as a Variant of Uncertain Significance.